The following is an entry in ClinVar:

ClinVar aggregate classification (germline): Conflicting classifications of pathogenicity. Review status: criteria provided, conflicting classifications (1 of 4 stars). 8 submissions from 8 submitters: Uncertain significance (3); Likely benign (3). 2 of the submissions do not count toward it. Last evaluated 2026-01-09.

Conditions:
Thrombocytopenia. Identifiers: MedGen C0040034, MeSH D013921, MONDO:0002049, HP:0001873.
Abnormal bleeding. Also called: Bleeding diathesis. Identifiers: MedGen C1458140, HP:0001892.
Gray platelet syndrome (GPS). Also called: BLEEDING DISORDER, PLATELET-TYPE, 4. Identifiers: Orphanet 721, MedGen C0272302, MONDO:0007686, OMIM 139090.
NBEAL2-related disorder. Also called: NBEAL2-related condition.
Inborn genetic diseases. Identifiers: MedGen C0950123, MeSH D030342.

Allele frequency attached by ClinVar (database versions not stated): ESP Exome Variant Server 0.00065; gnomAD exomes 0.00066; ExAC 0.00076; 1000 Genomes Project 30x 0.00047; 1000 Genomes Project 0.00060; gnomAD 0.00061 and 0.00064; TOPMed 0.00062.
gnomAD v4.1: 1,351 of 1,585,618 alleles (0.085%); highest among the groups gnomAD compares: Middle Eastern, 0.13%; 3 homozygotes.

Submissions (8):

Labcorp Genetics (formerly Invitae), Labcorp
Classification: Likely benign. Last evaluated: 2026-01-09. Review status: criteria provided, single submitter. Criteria: Invitae Variant Classification Sherloc (09022015). Collection method: clinical testing. Allele origin: germline.

CeGaT Center for Human Genetics Tuebingen
Classification: Likely benign. Last evaluated: 2025-05-01. Review status: criteria provided, single submitter. Criteria: CeGaT Center For Human Genetics Tuebingen Variant Classification Criteria Version 2. Collection method: clinical testing. Allele origin: germline. Affected: yes. Observed: 1 variant allele.
Comment: NBEAL2: BP4, BS2

Women's Health and Genetics/Laboratory Corporation of America, LabCorp
Classification: Uncertain significance. Last evaluated: 2024-09-30. Review status: criteria provided, single submitter. Criteria: LabCorp Variant Classification Summary - May 2015. Collection method: clinical testing. Allele origin: germline.
Comment: Variant summary: NBEAL2 c.2375G>A (p.Arg792Gln) results in a conservative amino acid change in the encoded protein sequence. Three of five in-silico tools predict a benign effect of the variant on protein function. The variant allele was found at a frequency of 0.00066 in 210812 control chromosomes. This frequency is not significantly higher than estimated for a pathogenic variant in NBEAL2 causing Gray Platelet Syndrome, allowing no conclusion about variant significance. c.2375G>A has been reported in the literature in individuals with inherited bleeding disease and suspected of inherited bleeding disorder, without strong evidence for causality (example, Almazni_2020, Ferrari_2020) . These report(s) do not provide unequivocal conclusions about association of the variant with Gray Platelet Syndrome. To our knowledge, no experimental evidence demonstrating an impact on protein function has been reported. The following publications have been ascertained in the context of this evaluation (PMID: 32935436, 33161638). ClinVar contains an entry for this variant (Variation ID: 345637). Based on the evidence outlined above, the variant was classified as uncertain significance.

Mayo Clinic Laboratories, Mayo Clinic
Classification: Likely benign. Last evaluated: 2024-04-30. Review status: criteria provided, single submitter. Criteria: ACMG Guidelines, 2015. Collection method: clinical testing. Allele origin: germline. Observed: 2 variant alleles.
Comment: BS1, BP4

Ambry Genetics
Classification: Uncertain significance for Inborn genetic diseases. Last evaluated: 2021-08-13. Review status: criteria provided, single submitter. Criteria: Ambry Variant Classification Scheme 2023. Collection method: clinical testing. Allele origin: germline.

Illumina Laboratory Services, Illumina
Classification: Uncertain significance for Gray platelet syndrome. Last evaluated: 2018-01-13. Review status: criteria provided, single submitter. Criteria: ICSL Variant Classification Criteria 13 December 2019. Collection method: clinical testing. Allele origin: germline.

PreventionGenetics, part of Exact Sciences
Classification: Likely benign for NBEAL2-related condition. Last evaluated: 2022-04-01. Review status: no assertion criteria provided. Collection method: clinical testing. Allele origin: germline. Not counted in ClinVar's aggregate classification.
Comment: This variant is classified as likely benign based on ACMG/AMP sequence variant interpretation guidelines (Richards et al. 2015 PMID: 25741868, with internal and published modifications).

Birmingham Platelet Group; University of Birmingham
Classification: Uncertain significance for Thrombocytopenia; Abnormal bleeding. Last evaluated: 2020-05-01. Review status: no assertion criteria provided. Collection method: research. Allele origin: germline. Affected: yes. Not counted in ClinVar's aggregate classification.

Literature cited by the submitters: PubMed 32935436 (cited by Women's Health and Genetics/Laboratory Corporation of America, LabCorp and Mayo Clinic Laboratories, Mayo Clinic); PubMed 33161638 (cited by Women's Health and Genetics/Laboratory Corporation of America, LabCorp); PubMed 28748566 (cited by Mayo Clinic Laboratories, Mayo Clinic).

NM_015175.3(NBEAL2):c.2375G>A (p.Arg792Gln)

Gene: NBEAL2 (neurobeachin like 2; plus strand). Cytogenetic location: 3p21.31.
Variant type: single nucleotide variant.
Coding change: c.2375G>A on transcript NM_015175.3 (MANE Select); coding-DNA position 2375, G replaced by A.
Protein change: p.Arg792Gln; replaces arginine 792 with glutamine.
Molecular consequence: missense variant.
Genome position (GRCh38, 1-based): chr3:46,996,494, G>A. VCF-style: chr3-46996494-G-A. GRCh37 (hg19) VCF-style: chr3-47037984-G-A.
Other names: p.Arg792Gln; c.2375G>A (NM_015175.1); c.2273G>A, p.Arg758Gln (NM_001365116.2); short protein forms R792Q, R758Q.
Identifiers: ClinVar variation 345637 (VCV000345637.23), dbSNP rs140354422, ClinGen allele CA2360612.